The following is an entry in ClinVar:

NM_004369.4(COL6A3):c.4417G>T (p.Val1473Leu)

Gene: COL6A3 (collagen type VI alpha 3 chain; minus strand). Cytogenetic location: 2q37.3.
Variant type: single nucleotide variant.
Coding change: c.4417G>T on transcript NM_004369.4 (MANE Select); coding-DNA position 4417, G replaced by T.
Protein change: p.Val1473Leu; replaces valine 1473 with leucine.
Molecular consequence: missense variant.
Genome position (GRCh38, 1-based): chr2:237,369,046, C>A on the plus strand (G>T on the coding strand, the complement: COL6A3 is on the minus strand). VCF-style: chr2-237369046-C-A. GRCh37 (hg19) VCF-style: chr2-238277689-C-A.
Other names: c.2596G>T, p.Val866Leu (NM_057166.5); c.3799G>T, p.Val1267Leu (NM_057167.4); short protein forms V1267L, V1473L, V866L.
Identifiers: ClinVar variation 4078383 (VCV004078383.2).
Genomic context (GRCh38, chr2:237,369,046, plus strand): 5'-AGGTTTTCAGATAGAATTCTGGGAAGACATCATTGCTGAACTGCACGACCCCAACTCTCA[C>A]TTTACTGGGGCCGATGTTGAGTCTTCGAACAATCCTGCTAACAAAATCTCGAATATGTGC-3'
Protein context (NP_004360.2, residues 1463-1483): VRRLNIGPSK[Val1473Leu]RVGVVQFSND

ClinVar aggregate classification (germline): Uncertain significance. Review status: criteria provided, multiple submitters, no conflicts (2 of 4 stars). 2 submissions from 2 submitters: Uncertain significance (2). Last evaluated 2025-05-08.

Conditions:
Bethlem myopathy 1A. Also called: MYOPATHY, BENIGN CONGENITAL, WITH CONTRACTURES; Bethlem myopathy 1; Bethlem Muscular Dystrophy. Identifiers: Orphanet 610, MedGen CN029274, MONDO:0024530, OMIM 158810.

Submissions (2):

Revvity Omics, Revvity
Classification: Uncertain significance. Last evaluated: 2025-05-08. Review status: criteria provided, single submitter. Criteria: ACMG Guidelines, 2015. Collection method: clinical testing. Allele origin: germline.

Labcorp Genetics (formerly Invitae), Labcorp
Classification: Uncertain significance for Bethlem myopathy 1A. Last evaluated: 2025-04-08. Review status: criteria provided, single submitter. Criteria: Invitae Variant Classification Sherloc (09022015). Collection method: clinical testing. Allele origin: germline.
Comment: This sequence change replaces valine, which is neutral and non-polar, with leucine, which is neutral and non-polar, at codon 1473 of the COL6A3 protein (p.Val1473Leu). This variant is not present in population databases (gnomAD no frequency). This variant has not been reported in the literature in individuals affected with COL6A3-related conditions. Invitae Evidence Modeling of protein sequence and biophysical properties (such as structural, functional, and spatial information, amino acid conservation, physicochemical variation, residue mobility, and thermodynamic stability) indicates that this missense variant is expected to disrupt COL6A3 protein function with a positive predictive value of 80%. In summary, the available evidence is currently insufficient to determine the role of this variant in disease. Therefore, it has been classified as a Variant of Uncertain Significance.